The following is an entry in ClinVar:

ClinVar aggregate classification (germline): Pathogenic (1 of 4 stars; one submission).

Conditions:
Neurofibromatosis, type 1 (NF1). Also called: NEUROFIBROMATOSIS, TYPE I, SOMATIC; VON RECKLINGHAUSEN DISEASE; Peripheral type neurofibromatosis; Neurofibromatosis, type I. Identifiers: Orphanet 636, MedGen C0027831, MONDO:0018975, OMIM 162200. Disease mechanism: loss of function.

Submission:

Labcorp Genetics (formerly Invitae), Labcorp
Classification: Pathogenic for Neurofibromatosis, type 1. Last evaluated: 2024-11-06. Review status: criteria provided, single submitter. Criteria: Invitae Variant Classification Sherloc (09022015). Collection method: clinical testing. Allele origin: germline.
Comment: This sequence change creates a premature translational stop signal (p.Glu106Lysfs*59) in the NF1 gene. It is expected to result in an absent or disrupted protein product. Loss-of-function variants in NF1 are known to be pathogenic (PMID: 10712197, 23913538). This variant is not present in population databases (gnomAD no frequency). This variant has not been reported in the literature in individuals affected with NF1-related conditions. ClinVar contains an entry for this variant (Variation ID: 1460445). For these reasons, this variant has been classified as Pathogenic.

Literature cited by the submitters: PubMed 10712197; PubMed 23913538.

NM_001042492.3(NF1):c.316del (p.Glu106fs)

Gene: NF1 (neurofibromin 1; plus strand). Cytogenetic location: 17q11.2.
Variant type: Deletion.
Coding change: c.316del on transcript NM_001042492.3 (MANE Select); coding-DNA position 316, one base deleted (G; older notation c.316delG).
Protein change: p.Glu106fs; shifts the reading frame from glutamic acid 106.
Molecular consequence: frameshift variant.
Genome position (GRCh38, 1-based): chr17:31,163,213, G deleted. VCF-style (leftmost placement, unchanged base first): chr17-31163212-TG-T. GRCh37 (hg19) VCF-style: chr17-29490230-TG-T.
Other names: c.316delG, p.Glu106Lysfs (NM_000267.4); c.316del, p.Glu106fs (NM_001128147.3); short protein forms E106fs.
Identifiers: ClinVar variation 1460445 (VCV001460445.6), dbSNP rs2143670786, ClinGen allele CA2573153559.
Genomic context (GRCh38, chr17:31,163,212, plus strand): 5'-AAAGTTTAGAATAATGTGATTATTTCTATTTTAGCAACCAAAGGACACAATGAGATTAGA[TG>T]AAACGATGCTGGTCAAACAGTTGCTGCCAGAAATCTGCCATTTTCTTCACACCTGTCGTG-3'